The following is an entry in ClinVar:

NM_021098.3(CACNA1H):c.6881C>T (p.Ala2294Val)

Gene: CACNA1H (calcium voltage-gated channel subunit alpha1 H; plus strand). Cytogenetic location: 16p13.3.
Variant type: single nucleotide variant.
Coding change: c.6881C>T on transcript NM_021098.3 (MANE Select); coding-DNA position 6881, C replaced by T.
Protein change: p.Ala2294Val; replaces alanine 2294 with valine.
Molecular consequence: missense variant.
Genome position (GRCh38, 1-based): chr16:1,220,813, C>T. VCF-style: chr16-1220813-C-T. GRCh37 (hg19) VCF-style: chr16-1270813-C-T.
Other names: c.6863C>T, p.Ala2288Val (NM_001005407.2); short protein forms A2288V, A2294V.
Identifiers: ClinVar variation 1507884 (VCV001507884.8), dbSNP rs540026021, ClinGen allele CA394151124.

ClinVar aggregate classification (germline): Uncertain significance (1 of 4 stars; one submission).

Conditions:
Hyperaldosteronism, familial, type IV (HALD4). Also called: FH IV; ALDOSTERONISM, PRIMARY, AND HYPERTENSION. Identifiers: Orphanet 642671, MedGen C4310756, MONDO:0014875, OMIM 617027.
Idiopathic generalized epilepsy. Also called: Generalised epilepsy; EIG. Identifiers: MedGen C0270850, MONDO:0005579, OMIM 600669.

gnomAD v4.1: 3 of 1,612,716 alleles (0.00019%); highest among the groups gnomAD compares: East Asian, 0.0022%; no homozygotes.

Submission:

Labcorp Genetics (formerly Invitae), Labcorp
Classification: Uncertain significance for Idiopathic generalized epilepsy; Hyperaldosteronism, familial, type IV. Last evaluated: 2021-02-05. Review status: criteria provided, single submitter. Criteria: Invitae Variant Classification Sherloc (09022015). Collection method: clinical testing. Allele origin: germline.
Comment: This sequence change replaces alanine with valine at codon 2294 of the CACNA1H protein (p.Ala2294Val). The alanine residue is weakly conserved and there is a small physicochemical difference between alanine and valine. This variant is not present in population databases (ExAC no frequency). This variant has not been reported in the literature in individuals with CACNA1H-related conditions. Advanced modeling of protein sequence and biophysical properties (such as structural, functional, and spatial information, amino acid conservation, physicochemical variation, residue mobility, and thermodynamic stability) performed at Invitae indicates that this missense variant is not expected to disrupt CACNA1H protein function. In summary, the available evidence is currently insufficient to determine the role of this variant in disease. Therefore, it has been classified as a Variant of Uncertain Significance.